The following is an entry in ClinVar:

NM_002354.3(EPCAM):c.487C>G (p.Arg163Gly)

Gene: EPCAM (epithelial cell adhesion molecule; plus strand). Cytogenetic location: 2p21.
Variant type: single nucleotide variant.
Coding change: c.487C>G on transcript NM_002354.3 (MANE Select); coding-DNA position 487, C replaced by G.
Protein change: p.Arg163Gly; replaces arginine 163 with glycine.
Molecular consequence: missense variant.
Genome position (GRCh38, 1-based): chr2:47,375,295, C>G. VCF-style: chr2-47375295-C-G. GRCh37 (hg19) VCF-style: chr2-47602434-C-G.
Other names: short protein forms R163G.
Identifiers: ClinVar variation 4827124 (VCV004827124.1).
Genomic context (GRCh38, chr2:47,375,295, plus strand): 5'-TGGATCATCATTGAACTAAAACACAAAGCAAGAGAAAAACCTTATGATAGTAAAAGTTTG[C>G]GGACGTAAGTGCAATTAAATGCATCATATTCTTGCACAGTTGGTGGCTCAAATCTTCCAT-3'
Protein context (NP_002345.2, residues 153-173): REKPYDSKSL[Arg163Gly]TALQKEITTR

ClinVar aggregate classification (germline): Uncertain significance (1 of 4 stars; one submission).

Conditions:
Hereditary cancer-predisposing syndrome. Also called: Neoplastic Syndromes, Hereditary; Tumor predisposition; Hereditary Cancer Syndrome; Hereditary neoplastic syndrome. Identifiers: Orphanet 140162, MedGen C0027672, MeSH D009386, MONDO:0015356.

gnomAD v4.1: 1 of 1,605,420 alleles (0.000062%); highest among the groups gnomAD compares: Non-Finnish European, 0.000085%; no homozygotes.

Submission:

Ambry Genetics
Classification: Uncertain significance for Hereditary cancer-predisposing syndrome. Last evaluated: 2026-03-11. Review status: criteria provided, single submitter. Criteria: Ambry Variant Classification Scheme 2023. Collection method: clinical testing. Allele origin: germline.
Comment: The p.R163G variant (also known as c.487C>G), located in coding exon 4 of the EPCAM gene, results from a C to G substitution at nucleotide position 487. The arginine at codon 163 is replaced by glycine, an amino acid with dissimilar properties. This amino acid position is conserved. In addition, this alteration is predicted to be tolerated by in silico analysis. Based on the available evidence, the clinical significance of this variant remains unclear.